The following is an entry in ClinVar:

NM_002350.4(LYN):c.778G>A (p.Glu260Lys)

Gene: LYN (LYN proto-oncogene, Src family tyrosine kinase; plus strand). Cytogenetic location: 8q12.1.
Variant type: single nucleotide variant.
Coding change: c.778G>A on transcript NM_002350.4 (MANE Select); coding-DNA position 778, G replaced by A.
Protein change: p.Glu260Lys; replaces glutamic acid 260 with lysine.
Molecular consequence: missense variant.
Genome position (GRCh38, 1-based): chr8:55,953,972, G>A. VCF-style: chr8-55953972-G-A. GRCh37 (hg19) VCF-style: chr8-56866531-G-A.
Other names: c.715G>A, p.Glu239Lys (NM_001111097.3); short protein forms E239K, E260K.
Identifiers: ClinVar variation 1509980 (VCV001509980.8), dbSNP rs2130498847, ClinGen allele CA371282984.
Genomic context (GRCh38, chr8:55,953,972, plus strand): 5'-TGGGAGATCCCCCGGGAGTCCATCAAGTTGGTGAAAAGGCTTGGCGCTGGGCAGTTTGGG[G>A]AAGTCTGGATGGGTAAGTGTGCGGCTCGGGGATCTATGTCCTTCTAGAGATGGTGACAGG-3'
Protein context (NP_002341.1, residues 250-270): VKRLGAGQFG[Glu260Lys]VWMGYYNNST

ClinVar aggregate classification (germline): Uncertain significance (1 of 4 stars; one submission).

Submission:

Labcorp Genetics (formerly Invitae), Labcorp
Classification: Uncertain significance. Last evaluated: 2021-02-14. Review status: criteria provided, single submitter. Criteria: Invitae Variant Classification Sherloc (09022015). Collection method: clinical testing. Allele origin: germline.
Comment: Algorithms developed to predict the effect of missense changes on protein structure and function are either unavailable or do not agree on the potential impact of this missense change (SIFT: "Deleterious"; PolyPhen-2: "Benign"; Align-GVGD: "Class C55"). This variant has not been reported in the literature in individuals with LYN-related conditions. This variant is not present in population databases (ExAC no frequency). This sequence change replaces glutamic acid with lysine at codon 260 of the LYN protein (p.Glu260Lys). The glutamic acid residue is highly conserved and there is a small physicochemical difference between glutamic acid and lysine. In summary, the available evidence is currently insufficient to determine the role of this variant in disease. Therefore, it has been classified as a Variant of Uncertain Significance.